The following is an entry in ClinVar:

ClinVar aggregate classification (germline): Likely benign (0 of 4 stars; one submission).

Conditions:
PHIP-related disorder. Also called: PHIP-related disorders; PHIP-related condition.

Allele frequency attached by ClinVar (database versions not stated): TOPMed 0.00002; gnomAD 0.00003.
gnomAD v4.1: 11 of 1,547,782 alleles (0.00071%); highest among the groups gnomAD compares: East Asian, 0.0023%; no homozygotes.

Submission:

PreventionGenetics, part of Exact Sciences
Classification: Likely benign for PHIP-related condition. Last evaluated: 2022-11-17. Review status: no assertion criteria provided. Collection method: clinical testing. Allele origin: germline.
Comment: This variant is classified as likely benign based on ACMG/AMP sequence variant interpretation guidelines (Richards et al. 2015 PMID: 25741868, with internal and published modifications).

NM_017934.7(PHIP):c.4140G>A (p.Glu1380=)

Genes: IRAK1BP1 (interleukin 1 receptor associated kinase 1 binding protein 1; plus strand), PHIP (PHIP subunit of CUL4-Ring ligase complex; minus strand). Cytogenetic location: 6q14.1.
Variant type: single nucleotide variant.
Coding change: c.4140G>A on transcript NM_017934.7 (MANE Select); coding-DNA position 4140, G replaced by A.
Protein change: p.Glu1380=; no amino-acid change (glutamic acid 1380 retained).
Molecular consequence: synonymous variant.
Genome position (GRCh38, 1-based): chr6:78,947,689, C>T on the plus strand (G>A on the coding strand, the complement: PHIP is on the minus strand). VCF-style: chr6-78947689-C-T. GRCh37 (hg19) VCF-style: chr6-79657406-C-T.
Identifiers: ClinVar variation 3050389 (VCV003050389.2), dbSNP rs758096217, ClinGen allele CA141845416.